The following is an entry in ClinVar:

NM_000057.4(BLM):c.2420_2424del (p.Phe807fs)

Gene: BLM (BLM RecQ like helicase; plus strand). Cytogenetic location: 15q26.1.
Variant type: Deletion.
Coding change: c.2420_2424del on transcript NM_000057.4 (MANE Select); coding-DNA positions 2420 to 2424, 5 bases deleted (TTCGT; older notation c.2420_2424delTTCGT).
Protein change: p.Phe807fs; shifts the reading frame from phenylalanine 807.
Molecular consequence: frameshift variant.
Genome position (GRCh38, 1-based): chr15:90,769,451-90,769,455, TTCGT deleted; deleting any 5 consecutive bases within chr15:90,769,450-90,769,455 gives the same sequence; the c. name uses the placement nearest the transcript's 3' end. VCF-style (leftmost placement, unchanged base first): chr15-90769449-TTTTCG-T. GRCh37 (hg19) VCF-style: chr15-91312679-TTTTCG-T.
Other names: c.2420_2424del, p.Phe807fs (NM_001287246.2, NM_001287247.2); c.1295_1299del, p.Phe432fs (NM_001287248.2); short protein forms F432fs, F807fs.
Identifiers: ClinVar variation 2866682 (VCV002866682.3), dbSNP rs2505456377, ClinGen allele CA2739269772.

ClinVar aggregate classification (germline): Pathogenic (1 of 4 stars; one submission).

Conditions:
Bloom syndrome (BLM). Also called: Bloom-Torre-Machacek syndrome. Identifiers: Orphanet 125, MedGen C0005859, MONDO:0008876, OMIM 210900.

Submission:

Labcorp Genetics (formerly Invitae), Labcorp
Classification: Pathogenic for Bloom syndrome. Last evaluated: 2025-10-01. Review status: criteria provided, single submitter. Criteria: Invitae Variant Classification Sherloc (09022015). Collection method: clinical testing. Allele origin: germline.
Comment: This sequence change creates a premature translational stop signal (p.Phe807Serfs*26) in the BLM gene. It is expected to result in an absent or disrupted protein product. Loss-of-function variants in BLM are known to be pathogenic (PMID: 17407155). This variant is not present in population databases (gnomAD no frequency). This variant has not been reported in the literature in individuals affected with BLM-related conditions. ClinVar contains an entry for this variant (Variation ID: 2866682). For these reasons, this variant has been classified as Pathogenic.

Literature cited by the submitters: PubMed 17407155.